The following is an entry in ClinVar:

NM_000093.5(COL5A1):c.1281G>A (p.Pro427=)

Gene: COL5A1 (collagen type V alpha 1 chain; plus strand). Cytogenetic location: 9q34.3.
Variant type: single nucleotide variant.
Coding change: c.1281G>A on transcript NM_000093.5 (MANE Select); coding-DNA position 1281, G replaced by A.
Protein change: p.Pro427=; no amino-acid change (proline 427 retained).
Molecular consequence: synonymous variant.
Genome position (GRCh38, 1-based): chr9:134,731,612, G>A. VCF-style: chr9-134731612-G-A. GRCh37 (hg19) VCF-style: chr9-137623458-G-A.
Other names: p.P427P:CCG>CCA; p.Pro427=; c.1281G>A, p.Pro427= (NM_001278074.1).
Identifiers: ClinVar variation 212927 (VCV000212927.21), dbSNP rs147292897, ClinGen allele CA321470.

ClinVar aggregate classification (germline): Benign/Likely benign. Review status: criteria provided, multiple submitters, no conflicts (2 of 4 stars). 9 submissions from 8 submitters: Benign (6); Likely benign (3). Last evaluated 2026-04-06.

Conditions:
Ehlers-Danlos syndrome, classic type, 1 (EDSCL1). Also called: EHLERS-DANLOS SYNDROME, GRAVIS TYPE; EHLERS-DANLOS SYNDROME, SEVERE CLASSIC TYPE; Ehlers-Danlos syndrome, type 1; Ehlers-Danlos Syndrome, Classic Type, COL5A1-Related; EDS I. Identifiers: MedGen C0268335, MONDO:0019567, OMIM 130000.
Fibromuscular dysplasia, multifocal. Identifiers: MedGen C5543412, MONDO:0859151, OMIM 619329.
Familial thoracic aortic aneurysm and aortic dissection (TAAD). Also called: Thoracic aortic aneurysms and dissections. Identifiers: Orphanet 91387, MedGen C4707243, MONDO:0019625.

Allele frequency attached by ClinVar (database versions not stated): gnomAD exomes 0.00006 and 0.00014; ExAC 0.00015; 1000 Genomes Project 0.00020; 1000 Genomes Project 30x 0.00031; gnomAD 0.00034 and 0.00038; TOPMed 0.00037; ESP Exome Variant Server 0.00069.
gnomAD v4.1: 149 of 1,614,142 alleles (0.0092%); highest among the groups gnomAD compares: African/African-American, 0.11%; no homozygotes.

Submissions (9):

Women's Health and Genetics/Laboratory Corporation of America, LabCorp
Classification: Benign. Last evaluated: 2026-04-06. Review status: criteria provided, single submitter. Criteria: LabCorp Variant Classification Summary - May 2015. Collection method: clinical testing. Allele origin: germline.

Labcorp Genetics (formerly Invitae), Labcorp
Classification: Benign for Ehlers-Danlos syndrome, classic type, 1. Last evaluated: 2026-01-28. Review status: criteria provided, single submitter. Criteria: Invitae Variant Classification Sherloc (09022015). Collection method: clinical testing. Allele origin: germline.

Blueprint Genetics
Classification: Likely benign. Last evaluated: 2024-11-13. Review status: criteria provided, single submitter. Criteria: ACMG Guidelines, 2015. Collection method: clinical testing. Allele origin: germline.

Mayo Clinic Laboratories, Mayo Clinic
Classification: Benign. Last evaluated: 2024-04-12. Review status: criteria provided, single submitter. Criteria: ACMG Guidelines, 2015. Collection method: clinical testing. Allele origin: germline. Observed: 2 variant alleles.
Comment: BA1, BP4, BP7

Genome-Nilou Lab
Classification: Benign for Ehlers-Danlos syndrome, classic type, 1. Last evaluated: 2022-03-15. Review status: criteria provided, single submitter. Criteria: ACMG Guidelines, 2015. Collection method: clinical testing. Allele origin: germline. Affected: no.

Genome-Nilou Lab
Classification: Benign for Fibromuscular dysplasia, multifocal. Last evaluated: 2022-03-15. Review status: criteria provided, single submitter. Criteria: ACMG Guidelines, 2015. Collection method: clinical testing. Allele origin: germline. Affected: no.

Ambry Genetics
Classification: Likely benign for Familial thoracic aortic aneurysm and aortic dissection. Last evaluated: 2015-09-09. Review status: criteria provided, single submitter. Criteria: Ambry Variant Classification Scheme 2023. Collection method: clinical testing. Allele origin: germline.

GeneDx
Classification: Benign. Last evaluated: 2015-03-24. Review status: criteria provided, single submitter. Criteria: GeneDx Variant Classification (06012015). Collection method: clinical testing. Allele origin: germline. Affected: yes.
Comment: This variant is considered likely benign or benign based on one or more of the following criteria: it is a conservative change, it occurs at a poorly conserved position in the protein, it is predicted to be benign by multiple in silico algorithms, and/or has population frequency not consistent with disease.

Breakthrough Genomics
Classification: Likely benign. Review status: criteria provided, single submitter. Criteria: ACMG Guidelines, 2015. Collection method: not provided. Allele origin: germline. Inheritance: Autosomal dominant inheritance. Affected: yes.